The following is an entry in ClinVar:

ClinVar aggregate classification (germline): Uncertain significance (1 of 4 stars; one submission).

Conditions:
Nephronophthisis. Also called: Juvenile Nephronophthisis. Identifiers: Orphanet 655, MedGen C0687120, MONDO:0019005, HP:0000090.
Jeune thoracic dystrophy. Also called: Jeune syndrome; Infantile thoracic dystrophy; Thoracic pelvic phalangeal dystrophy; Jeune's syndrome; Chondroectodermal dysplasia-like syndrome; Short-rib thoracic dysplasia. Identifiers: Orphanet 474, MedGen C0265275, MONDO:0018770.

gnomAD v4.1: 2 of 1,614,036 alleles (0.00012%); highest among the groups gnomAD compares: East Asian, 0.0045%; no homozygotes.

Submission:

Labcorp Genetics (formerly Invitae), Labcorp
Classification: Uncertain significance for Jeune thoracic dystrophy; Nephronophthisis. Last evaluated: 2019-11-20. Review status: criteria provided, single submitter. Criteria: Invitae Variant Classification Sherloc (09022015). Collection method: clinical testing. Allele origin: germline.
Comment: Algorithms developed to predict the effect of missense changes on protein structure and function are either unavailable or do not agree on the potential impact of this missense change (SIFT: "Deleterious"; PolyPhen-2: "Benign"; Align-GVGD: "Class C0"). This sequence change replaces arginine with proline at codon 672 of the TTC21B protein (p.Arg672Pro). The arginine residue is moderately conserved and there is a moderate physicochemical difference between arginine and proline. This variant is present in population databases (rs756604135, ExAC 0.02%). This variant has not been reported in the literature in individuals with TTC21B-related conditions. In summary, the available evidence is currently insufficient to determine the role of this variant in disease. Therefore, it has been classified as a Variant of Uncertain Significance.

NM_024753.5(TTC21B):c.2015G>C (p.Arg672Pro)

Gene: TTC21B (tetratricopeptide repeat domain 21B; minus strand). Cytogenetic location: 2q24.3.
Variant type: single nucleotide variant.
Coding change: c.2015G>C on transcript NM_024753.5 (MANE Select); coding-DNA position 2015, G replaced by C.
Protein change: p.Arg672Pro; replaces arginine 672 with proline.
Molecular consequence: missense variant.
Genome position (GRCh38, 1-based): chr2:165,915,324, C>G on the plus strand (G>C on the coding strand, the complement: TTC21B is on the minus strand). VCF-style: chr2-165915324-C-G. GRCh37 (hg19) VCF-style: chr2-166771834-C-G.
Other names: short protein forms R672P.
Identifiers: ClinVar variation 852284 (VCV000852284.9), dbSNP rs756604135, ClinGen allele CA1941955.